The following is an entry in ClinVar:

ClinVar aggregate classification (germline): Likely benign (1 of 4 stars; one submission).

Submission:

CeGaT Center for Human Genetics Tuebingen
Classification: Likely benign. Last evaluated: 2022-03-01. Review status: criteria provided, single submitter. Criteria: CeGaT Center For Human Genetics Tuebingen Variant Classification Criteria Version 2. Collection method: clinical testing. Allele origin: germline. Affected: yes. Observed: 1 variant allele.
Comment: GABRA2: BP4, BP7

NM_000807.4(GABRA2):c.537A>T (p.Ser179=)

Gene: GABRA2 (gamma-aminobutyric acid type A receptor subunit alpha2; minus strand). Cytogenetic location: 4p12.
Variant type: single nucleotide variant.
Coding change: c.537A>T on transcript NM_000807.4 (MANE Select); coding-DNA position 537, A replaced by T.
Protein change: p.Ser179=; no amino-acid change (serine 179 retained).
Molecular consequence: synonymous variant.
Genome position (GRCh38, 1-based): chr4:46,310,195, T>A on the plus strand (A>T on the coding strand, the complement: GABRA2 is on the minus strand). VCF-style: chr4-46310195-T-A. GRCh37 (hg19) VCF-style: chr4-46312212-T-A.
Other names: c.537A>T, p.Ser179= (NM_001114175.3, NM_001330690.2, NM_001377144.1 and 8 more transcripts); c.372A>T, p.Ser124= (NM_001286827.3, NM_001377152.1, NM_001377153.1 and 1 more transcripts).
Identifiers: ClinVar variation 2654745 (VCV002654745.24), dbSNP rs1727403233, ClinGen allele CA439237269.